The following is an entry in ClinVar:

NM_001127392.3(MYRF):c.46+5G>A

Gene: MYRF (myelin regulatory factor; plus strand). Cytogenetic location: 11q12.2.
Variant type: single nucleotide variant.
Coding change: c.46+5G>A on transcript NM_001127392.3 (MANE Select); 5 bases into the intron after coding-DNA position 46, G replaced by A.
Molecular consequence: intron variant.
Genome position (GRCh38, 1-based): chr11:61,752,795, G>A. VCF-style: chr11-61752795-G-A. GRCh37 (hg19) VCF-style: chr11-61520267-G-A.
Identifiers: ClinVar variation 4850137 (VCV004850137.1).

ClinVar aggregate classification (germline): Likely pathogenic (1 of 4 stars; one submission).

Conditions:
Cardiac-urogenital syndrome (CUGS). Also called: MYRF-Related Cardiac Urogenital Syndrome. Identifiers: Orphanet 647811, MedGen C4748946, MONDO:0032653, OMIM 618280.

Submission:

Variantyx, Inc.
Classification: Likely pathogenic for Cardiac-urogenital syndrome. Last evaluated: 2025-09-19. Review status: criteria provided, single submitter. Criteria: Variantyx Assertion Criteria 2022. Collection method: clinical testing. Allele origin: de novo. Inheritance: Autosomal dominant inheritance. Affected: yes.
Comment: This is an intronic variant in the MYRF gene (OMIM: 608329). Pathogenic variants in this gene have been associated with autosomal dominant cardiac-urogenital syndrome. The clinical symptoms reported for this individual are highly specific for autosomal dominant cardiac-urogenital syndrome, which has a limited genetic etiology (PP4). Algorithms that predict the potential impact of sequence variants on RNA splicing suggest that this variant may not disrupt normal splicing (BP4). This variant is absent from control populations (PM2). Based on the current evidence, this variant is classified as likely pathogenic for autosomal dominant cardiac-urogenital syndrome.